The following is an entry in ClinVar:

ClinVar aggregate classification (germline): Uncertain significance. Review status: criteria provided, multiple submitters, no conflicts (2 of 4 stars). 2 submissions from 2 submitters: Uncertain significance (2). Last evaluated 2023-04-27.

Conditions:
Progressive sclerosing poliodystrophy (MTDPS4A). Also called: ALPERS PROGRESSIVE INFANTILE POLIODYSTROPHY; NEURONAL DEGENERATION OF CHILDHOOD WITH LIVER DISEASE, PROGRESSIVE; Mitochondrial DNA depletion syndrome 4A (Alpers type); Mitochondrial DNA Depletion Syndrome 4A; Alpers-Huttenlocher Syndrome (AHS); Alpers Syndrome. Identifiers: Orphanet 726, MedGen C0205710, MONDO:0008758, OMIM 203700.
POLG-related disorder. Also called: POLG-related condition; POLG-Related Disorders; POLG-Related Spectrum Disorders. Identifiers: MedGen C4763519.

gnomAD v4.1: 1 of 1,614,040 alleles (0.000062%); highest among the groups gnomAD compares: Non-Finnish European, 0.000085%; no homozygotes.

Submissions (2):

PreventionGenetics, part of Exact Sciences
Classification: Uncertain significance for POLG-related condition. Last evaluated: 2023-04-27. Review status: criteria provided, single submitter. Criteria: ACMG Guidelines, 2015. Collection method: clinical testing. Allele origin: germline.
Comment: The POLG c.1670A>G variant is predicted to result in the amino acid substitution p.Glu557Gly. To our knowledge, this variant has not been reported in the literature or in a large population database, indicating this variant is rare. At this time, the clinical significance of this variant is uncertain due to the absence of conclusive functional and genetic evidence.

Labcorp Genetics (formerly Invitae), Labcorp
Classification: Uncertain significance for Progressive sclerosing poliodystrophy. Last evaluated: 2023-04-12. Review status: criteria provided, single submitter. Criteria: Invitae Variant Classification Sherloc (09022015). Collection method: clinical testing. Allele origin: germline.
Comment: In summary, the available evidence is currently insufficient to determine the role of this variant in disease. Therefore, it has been classified as a Variant of Uncertain Significance. Advanced modeling of protein sequence and biophysical properties (such as structural, functional, and spatial information, amino acid conservation, physicochemical variation, residue mobility, and thermodynamic stability) performed at Invitae indicates that this missense variant is not expected to disrupt POLG protein function. This variant has not been reported in the literature in individuals affected with POLG-related conditions. This variant is not present in population databases (gnomAD no frequency). This sequence change replaces glutamic acid, which is acidic and polar, with glycine, which is neutral and non-polar, at codon 557 of the POLG protein (p.Glu557Gly).

NM_002693.3(POLG):c.1670A>G (p.Glu557Gly)

Gene: POLG (DNA polymerase gamma, catalytic subunit; minus strand). Cytogenetic location: 15q26.1.
Variant type: single nucleotide variant.
Coding change: c.1670A>G on transcript NM_002693.3 (MANE Select); coding-DNA position 1670, A replaced by G.
Protein change: p.Glu557Gly; replaces glutamic acid 557 with glycine.
Molecular consequence: missense variant.
Genome position (GRCh38, 1-based): chr15:89,326,654, T>C on the plus strand (A>G on the coding strand, the complement: POLG is on the minus strand). VCF-style: chr15-89326654-T-C. GRCh37 (hg19) VCF-style: chr15-89869885-T-C.
Other names: c.1670A>G, p.Glu557Gly (NM_001126131.2); short protein forms E557G.
Identifiers: ClinVar variation 2632818 (VCV002632818.4), dbSNP rs2509253005, ClinGen allele CA393760503.